The following is an entry in ClinVar:

ClinVar aggregate classification (germline): Uncertain significance (1 of 4 stars; one submission).

Submission:

Labcorp Genetics (formerly Invitae), Labcorp
Classification: Uncertain significance. Last evaluated: 2025-06-03. Review status: criteria provided, single submitter. Criteria: Invitae Variant Classification Sherloc (09022015). Collection method: clinical testing. Allele origin: germline.
Comment: This sequence change replaces glutamic acid, which is acidic and polar, with glycine, which is neutral and non-polar, at codon 33 of the CLTC protein (p.Glu33Gly). This variant is not present in population databases (gnomAD no frequency). This variant has not been reported in the literature in individuals affected with CLTC-related conditions. Invitae Evidence Modeling of protein sequence and biophysical properties (such as structural, functional, and spatial information, amino acid conservation, physicochemical variation, residue mobility, and thermodynamic stability) has been performed for this missense variant. However, the output from this modeling did not meet the statistical confidence thresholds required to predict the impact of this variant on CLTC protein function. In summary, the available evidence is currently insufficient to determine the role of this variant in disease. Therefore, it has been classified as a Variant of Uncertain Significance.

NM_004859.4(CLTC):c.98A>G (p.Glu33Gly)

Gene: CLTC (clathrin heavy chain; plus strand). Cytogenetic location: 17q23.1.
Variant type: single nucleotide variant.
Coding change: c.98A>G on transcript NM_004859.4 (MANE Select); coding-DNA position 98, A replaced by G.
Protein change: p.Glu33Gly; replaces glutamic acid 33 with glycine.
Molecular consequence: missense variant.
Genome position (GRCh38, 1-based): chr17:59,644,331, A>G. VCF-style: chr17-59644331-A-G. GRCh37 (hg19) VCF-style: chr17-57721692-A-G.
Other names: c.98A>G, p.Glu33Gly (NM_001288653.2); short protein forms E33G.
Identifiers: ClinVar variation 4743026 (VCV004743026.1).